The following is an entry in ClinVar:

ClinVar aggregate classification (germline): Uncertain significance (1 of 4 stars; one submission).

Allele frequency attached by ClinVar (database versions not stated): gnomAD 0.00002; TOPMed 0.00002; ExAC 0.00006; gnomAD exomes 0.00010.
gnomAD v4.1: 136 of 1,535,694 alleles (0.0089%); highest among the groups gnomAD compares: Middle Eastern, 0.05%; no homozygotes.

Submission:

Labcorp Genetics (formerly Invitae), Labcorp
Classification: Uncertain significance. Last evaluated: 2025-10-15. Review status: criteria provided, single submitter. Criteria: Invitae Variant Classification Sherloc (09022015). Collection method: clinical testing. Allele origin: germline.
Comment: This sequence change replaces phenylalanine, which is neutral and non-polar, with leucine, which is neutral and non-polar, at codon 391 of the GCGR protein (p.Phe391Leu). This variant is present in population databases (rs752844034, gnomAD 0.01%). This variant has not been reported in the literature in individuals affected with GCGR-related conditions. ClinVar contains an entry for this variant (Variation ID: 2160230). An algorithm developed to predict the effect of missense changes on protein structure and function (PolyPhen-2) suggests that this variant is likely to be tolerated. In summary, the available evidence is currently insufficient to determine the role of this variant in disease. Therefore, it has been classified as a Variant of Uncertain Significance.

NM_000160.5(GCGR):c.1173C>A (p.Phe391Leu)

Gene: GCGR (glucagon receptor; plus strand). Cytogenetic location: 17q25.3.
Variant type: single nucleotide variant.
Coding change: c.1173C>A on transcript NM_000160.5 (MANE Select); coding-DNA position 1173, C replaced by A.
Protein change: p.Phe391Leu; replaces phenylalanine 391 with leucine.
Molecular consequence: missense variant.
Genome position (GRCh38, 1-based): chr17:81,812,942, C>A. VCF-style: chr17-81812942-C-A. GRCh37 (hg19) VCF-style: chr17-79770818-C-A.
Other names: short protein forms F391L.
Identifiers: ClinVar variation 2160230 (VCV002160230.4), dbSNP rs752844034, ClinGen allele CA8842194.